The following is an entry in ClinVar:

ClinVar aggregate classification (germline): Uncertain significance. Review status: criteria provided, multiple submitters, no conflicts (2 of 4 stars). 4 submissions from 4 submitters: Uncertain significance (4). Last evaluated 2024-12-20.

Conditions:
Gamma-glutamylcysteine synthetase deficiency (CNSHA7). Also called: ANEMIA, CONGENITAL, NONSPHEROCYTIC HEMOLYTIC, 7. Identifiers: Orphanet 33574, MedGen C1856603, MONDO:0009259, OMIM 230450.
Inborn genetic diseases. Identifiers: MedGen C0950123, MeSH D030342.

Allele frequency attached by ClinVar (database versions not stated): gnomAD exomes 0.00007; TOPMed 0.00007; ESP Exome Variant Server 0.00008; gnomAD 0.00008; ExAC 0.00010.

Submissions (4):

Revvity Omics, Revvity
Classification: Uncertain significance for Gamma-glutamylcysteine synthetase deficiency. Last evaluated: 2024-12-20. Review status: criteria provided, single submitter. Criteria: ACMG Guidelines, 2015. Collection method: clinical testing. Allele origin: germline.

Labcorp Genetics (formerly Invitae), Labcorp
Classification: Uncertain significance. Last evaluated: 2024-11-04. Review status: criteria provided, single submitter. Criteria: Invitae Variant Classification Sherloc (09022015). Collection method: clinical testing. Allele origin: germline.
Comment: This sequence change replaces isoleucine, which is neutral and non-polar, with valine, which is neutral and non-polar, at codon 259 of the GCLC protein (p.Ile259Val). This variant is present in population databases (rs377468046, gnomAD 0.02%). This variant has not been reported in the literature in individuals affected with GCLC-related conditions. ClinVar contains an entry for this variant (Variation ID: 2163774). An algorithm developed to predict the effect of missense changes on protein structure and function (PolyPhen-2) suggests that this variant is likely to be tolerated. In summary, the available evidence is currently insufficient to determine the role of this variant in disease. Therefore, it has been classified as a Variant of Uncertain Significance.

Mayo Clinic Laboratories, Mayo Clinic
Classification: Uncertain significance. Last evaluated: 2023-01-30. Review status: criteria provided, single submitter. Criteria: ACMG Guidelines, 2015. Collection method: clinical testing. Allele origin: germline. Observed: 2 variant alleles.
Comment: BP4, PM2

Ambry Genetics
Classification: Uncertain significance for Inborn genetic diseases. Last evaluated: 2021-07-14. Review status: criteria provided, single submitter. Criteria: Ambry Variant Classification Scheme 2023. Collection method: clinical testing. Allele origin: germline.

NM_001498.4(GCLC):c.775A>G (p.Ile259Val)

Gene: GCLC (glutamate-cysteine ligase catalytic subunit; minus strand). Cytogenetic location: 6p12.1.
Variant type: single nucleotide variant.
Coding change: c.775A>G on transcript NM_001498.4 (MANE Select); coding-DNA position 775, A replaced by G.
Protein change: p.Ile259Val; replaces isoleucine 259 with valine.
Molecular consequence: missense variant.
Genome position (GRCh38, 1-based): chr6:53,509,229, T>C on the plus strand (A>G on the coding strand, the complement: GCLC is on the minus strand). VCF-style: chr6-53509229-T-C. GRCh37 (hg19) VCF-style: chr6-53374027-T-C.
Other names: p.Ile259Val; c.775A>G (NM_001498.3); c.661A>G, p.Ile221Val (NM_001197115.2); short protein forms I259V, I221V.
Identifiers: ClinVar variation 2163774 (VCV002163774.7), dbSNP rs377468046, ClinGen allele CA3860250.
Genomic context (GRCh38, chr6:53,509,229, plus strand): 5'-TACTTACAACAATTGGACAGATAGTAGCCAACTGATCATAAAGGTATCTGGCCTCAGATA[T>C]ACTGCAGGCTTGGAATGTCACCTGTTTAAGAATTGCAAAGTTATTAACACCAAGGAATCA-3'
Protein context (NP_001489.1, residues 249-269): CLQVTFQACS[Ile259Val]SEARYLYDQL